The following is an entry in ClinVar:

ClinVar aggregate classification (germline): Likely benign. Review status: criteria provided, multiple submitters, no conflicts (2 of 4 stars). 3 submissions from 3 submitters: Likely benign (3). Last evaluated 2026-01-13.

Conditions:
Hereditary sensory neuropathy-deafness-dementia syndrome. Also called: NEUROPATHY, HEREDITARY SENSORY, WITH HEARING LOSS AND DEMENTIA; HSN IE; Hereditary sensory neuropathy type IE; Hereditary Sensory and Autonomic Neuropathy Type 1E (HSAN1E). Identifiers: Orphanet 456318, MedGen C3279885, MONDO:0013584, OMIM 614116.
DNMT1-related disorder. Also called: DNMT1-related condition. Identifiers: MedGen CN381527.

Allele frequency attached by ClinVar (database versions not stated): TOPMed 0.00007; 1000 Genomes Project 0.00100.

Submissions (3):

Labcorp Genetics (formerly Invitae), Labcorp
Classification: Likely benign for Hereditary sensory neuropathy-deafness-dementia syndrome. Last evaluated: 2026-01-13. Review status: criteria provided, single submitter. Criteria: Invitae Variant Classification Sherloc (09022015). Collection method: clinical testing. Allele origin: germline.

PreventionGenetics, part of Exact Sciences
Classification: Likely benign for DNMT1-related condition. Last evaluated: 2025-07-16. Review status: criteria provided, single submitter. Criteria: ACMG Guidelines, 2015. Collection method: clinical testing. Allele origin: germline.
Comment: This variant is classified as likely benign based on ACMG/AMP sequence variant interpretation guidelines (Richards et al. 2015 PMID: 25741868, with internal and published modifications).

Blueprint Genetics
Classification: Likely benign. Last evaluated: 2024-10-09. Review status: criteria provided, single submitter. Criteria: ACMG Guidelines, 2015. Collection method: clinical testing. Allele origin: germline.

NM_001130823.3(DNMT1):c.1044-9T>C

Gene: DNMT1 (DNA methyltransferase 1; minus strand). Cytogenetic location: 19p13.2.
Variant type: single nucleotide variant.
Coding change: c.1044-9T>C on transcript NM_001130823.3 (MANE Select); 9 bases into the intron before coding-DNA position 1044, T replaced by C.
Molecular consequence: intron variant.
Genome position (GRCh38, 1-based): chr19:10,160,072, A>G on the plus strand (T>C on the coding strand, the complement: DNMT1 is on the minus strand). VCF-style: chr19-10160072-A-G. GRCh37 (hg19) VCF-style: chr19-10270748-A-G.
Other names: c.681-9T>C (NM_001318731.2); c.996-9T>C (NM_001379.4, NM_001318730.2); c.1044-9T>C (NM_001130823.2, LRG_362t1).
Identifiers: ClinVar variation 539618 (VCV000539618.10), dbSNP rs533403196, ClinGen allele CA9188423.
Genomic context (GRCh38, chr19:10,160,072, plus strand): 5'-GTTTACCTTGGAGTTCATGACTGTTTTGGCGCGAGCCATTTTTTTCTCCGTTCTGGGGGA[A>G]AAAAAAAAATCACAAGATCGTTTGTTTAATTGTTTCAGAAAATATCAAAATCGCCCCTGT-3'